The following is an entry in ClinVar:

ClinVar aggregate classification (germline): Uncertain significance (1 of 4 stars; one submission).

gnomAD v4.1: 1 of 1,502,586 alleles (0.000067%); highest among the groups gnomAD compares: South Asian, 0.0013%; no homozygotes.

Submission:

Labcorp Genetics (formerly Invitae), Labcorp
Classification: Uncertain significance. Last evaluated: 2026-01-26. Review status: criteria provided, single submitter. Criteria: Invitae Variant Classification Sherloc (09022015). Collection method: clinical testing. Allele origin: germline.
Comment: This sequence change replaces glutamine, which is neutral and polar, with arginine, which is basic and polar, at codon 401 of the MNX1 protein (p.Gln401Arg). This variant is not present in population databases (gnomAD no frequency). This variant has not been reported in the literature in individuals affected with MNX1-related conditions. Experimental studies and prediction algorithms are not available or were not evaluated, and the functional significance of this variant is currently unknown. Algorithms developed to predict the effect of sequence changes on RNA splicing suggest that this variant may create or strengthen a splice site. In summary, the available evidence is currently insufficient to determine the role of this variant in disease. Therefore, it has been classified as a Variant of Uncertain Significance.

NM_005515.4(MNX1):c.1202A>G (p.Gln401Arg)

Gene: MNX1 (motor neuron and pancreas homeobox 1; minus strand). Cytogenetic location: 7q36.3.
Variant type: single nucleotide variant.
Coding change: c.1202A>G on transcript NM_005515.4 (MANE Select); coding-DNA position 1202, A replaced by G.
Protein change: p.Gln401Arg; replaces glutamine 401 with arginine.
Molecular consequence: missense variant.
Genome position (GRCh38, 1-based): chr7:157,005,524, T>C on the plus strand (A>G on the coding strand, the complement: MNX1 is on the minus strand). VCF-style: chr7-157005524-T-C. GRCh37 (hg19) VCF-style: chr7-156798218-T-C.
Other names: c.566A>G, p.Gln189Arg (NM_001165255.2); short protein forms Q401R, Q189R.
Identifiers: ClinVar variation 4736174 (VCV004736174.1).
Genomic context (GRCh38, chr7:157,005,524, plus strand): 5'-AGAAGCCGCCGGCCGGGGCGCTCCGTGCGCGCCGCACCTGCTGGGCCGCGGGGCTCCTAC[T>C]GGGGCGCGGGCTGGTGGCTGGGCCGCGGGGGCGGCGAGTCGTCCTCCGAGGAGCAGTCGG-3'
Protein context (NP_005506.3, residues 391-401): PPRPSHQPAP[Gln401Arg]